The following is an entry in ClinVar:

NM_032806.6(POMGNT2):c.1349C>G (p.Thr450Ser)

Gene: POMGNT2 (protein O-linked mannose N-acetylglucosaminyltransferase 2 (beta 1,4-); minus strand). Cytogenetic location: 3p22.1.
Variant type: single nucleotide variant.
Coding change: c.1349C>G on transcript NM_032806.6 (MANE Select); coding-DNA position 1349, C replaced by G.
Protein change: p.Thr450Ser; replaces threonine 450 with serine.
Molecular consequence: missense variant.
Genome position (GRCh38, 1-based): chr3:43,080,083, G>C on the plus strand (C>G on the coding strand, the complement: POMGNT2 is on the minus strand). VCF-style: chr3-43080083-G-C. GRCh37 (hg19) VCF-style: chr3-43121575-G-C.
Other names: c.1349C>G (NM_032806.4); short protein forms T450S.
Identifiers: ClinVar variation 664371 (VCV000664371.4), dbSNP rs759686826, ClinGen allele CA2339870.

ClinVar aggregate classification (germline): Uncertain significance. Review status: criteria provided, multiple submitters, no conflicts (2 of 4 stars). 2 submissions from 2 submitters: Uncertain significance (2). Last evaluated 2026-03-19.

Conditions:
Inborn genetic diseases. Identifiers: MedGen C0950123, MeSH D030342.
Muscular dystrophy-dystroglycanopathy (congenital with brain and eye anomalies), type a, 8 (MDDGA8). Also called: WALKER-WARBURG SYNDROME OR MUSCLE-EYE-BRAIN DISEASE, GTDC2-RELATED. Identifiers: Orphanet 899, MedGen C3553813, MONDO:0013904, OMIM 614830.

Allele frequency attached by ClinVar (database versions not stated): ExAC 0.00001; TOPMed 0.00002; gnomAD exomes below 0.00001 and 0.00001.

Submissions (2):

Ambry Genetics
Classification: Uncertain significance for Inborn genetic diseases. Last evaluated: 2026-03-19. Review status: criteria provided, single submitter. Criteria: Ambry Variant Classification Scheme 2023. Collection method: clinical testing. Allele origin: germline.

Labcorp Genetics (formerly Invitae), Labcorp
Classification: Uncertain significance for Muscular dystrophy-dystroglycanopathy (congenital with brain and eye anomalies), type a, 8. Last evaluated: 2020-09-07. Review status: criteria provided, single submitter. Criteria: Invitae Variant Classification Sherloc (09022015). Collection method: clinical testing. Allele origin: germline.
Comment: This sequence change replaces threonine with serine at codon 450 of the POMGNT2 protein (p.Thr450Ser). The threonine residue is highly conserved and there is a small physicochemical difference between threonine and serine. This variant is present in population databases (rs759686826, ExAC 0.009%). This variant has not been reported in the literature in individuals with POMGNT2-related disease. Algorithms developed to predict the effect of missense changes on protein structure and function are either unavailable or do not agree on the potential impact of this missense change (SIFT: "Deleterious"; PolyPhen-2: "Probably Damaging"; Align-GVGD: "Class C0"). In summary, the available evidence is currently insufficient to determine the role of this variant in disease. Therefore, it has been classified as a Variant of Uncertain Significance.